The following is an entry in ClinVar:

ClinVar aggregate classification (germline): Pathogenic (1 of 4 stars; one submission).

Conditions:
Neurofibromatosis, type 1 (NF1). Also called: Peripheral type neurofibromatosis; VON RECKLINGHAUSEN DISEASE; Neurofibromatosis, type I; NEUROFIBROMATOSIS, TYPE I, SOMATIC. Identifiers: Orphanet 636, MedGen C0027831, MONDO:0018975, OMIM 162200. Disease mechanism: loss of function.

Submission:

Labcorp Genetics (formerly Invitae), Labcorp
Classification: Pathogenic for Neurofibromatosis, type 1. Last evaluated: 2020-03-23. Review status: criteria provided, single submitter. Criteria: Invitae Variant Classification Sherloc (09022015). Collection method: clinical testing. Allele origin: germline.
Comment: Loss-of-function variants in NF1 are known to be pathogenic (PMID: 10712197, 23913538). For these reasons, this variant has been classified as Pathogenic. This variant has not been reported in the literature in individuals with NF1-related conditions. This variant is not present in population databases (ExAC no frequency). This sequence change creates a premature translational stop signal (p.Glu785Glyfs*9) in the NF1 gene. It is expected to result in an absent or disrupted protein product.

Literature cited by the submitters: PubMed 10712197; PubMed 23913538.

NM_001042492.3(NF1):c.2353dup (p.Glu785fs)

Gene: NF1 (neurofibromin 1; plus strand). Cytogenetic location: 17q11.2.
Variant type: Duplication.
Coding change: c.2353dup on transcript NM_001042492.3 (MANE Select); coding-DNA position 2353, one base duplicated (G; older notation c.2353dupG).
Protein change: p.Glu785fs; shifts the reading frame from glutamic acid 785.
Molecular consequence: frameshift variant.
Genome position (GRCh38, 1-based): chr17:31,227,550, G duplicated; the last of 3 consecutive G bases (chr17:31,227,548-31,227,550); duplicating any one gives the same sequence. VCF-style (leftmost placement, unchanged base first): chr17-31227547-T-TG. GRCh37 (hg19) VCF-style: chr17-29554565-T-TG.
Other names: c.2353dup, p.Glu785Glyfs (NM_000267.4); short protein forms E785fs.
Identifiers: ClinVar variation 936941 (VCV000936941.6), dbSNP rs2067038120, ClinGen allele CA1139665427.